The following is an entry in ClinVar:

NM_020937.4(FANCM):c.2832_2839delinsAATATTCAATTATATTATTACATTGTTCCAGTGATATTCTTTTATACCTTAT (p.Gly945_Asn947delinsIlePheAsnTyrIleIleThrLeuPheGlnTer)

Gene: FANCM (FA complementation group M; plus strand). Cytogenetic location: 14q21.2.
Variant type: Indel.
Coding change: c.2832_2839delinsAATATTCAATTATATTATTACATTGTTCCAGTGATATTCTTTTATACCTTAT on transcript NM_020937.4 (MANE Select); coding-DNA positions 2832 to 2839, the reference bases replaced by an inserted sequence.
Protein change: p.Gly945_Asn947delinsIlePheAsnTyrIleIleThrLeuPheGlnTer.
Molecular consequence: nonsense.
Genome position (GRCh38, 1-based): chr14:45,175,586-45,175,593, 8 bases replaced. GRCh37 (hg19): chr14:45,644,789-45,644,796.
Other names: c.2754_2761delinsAATATTCAATTATATTATTACATTGTTCCAGTGATATTCTTTTATACCTTAT, p.Gly919_Asn921delinsIlePheAsnTyrIleIleThrLeuPheGlnTer (NM_001308133.2); c.2832_2839delinsAATATTCAATTATATTATTACATTGTTCCAGTGATATTCTTTTATACCTTAT (NM_020937.2); c.2832_2839delTGGTTATAinsAATATTCAATTATATTATTACATTGTTCCAGTGATATTCTTTTATACCTTAT (NM_020937.2).
Identifiers: ClinVar variation 1186297 (VCV001186297.38), dbSNP rs2139244126, ClinGen allele CA2499222628.

ClinVar aggregate classification (germline): Pathogenic/Likely pathogenic. Review status: criteria provided, multiple submitters, no conflicts (2 of 4 stars). 3 submissions from 3 submitters: Pathogenic (1); Likely pathogenic (2). Last evaluated 2025-08-05.

Conditions:
Fanconi anemia (FA). Also called: Fanconi's anemia. Identifiers: Orphanet 84, MedGen C0015625, MeSH D005199, MONDO:0019391.

Submissions (3):

Labcorp Genetics (formerly Invitae), Labcorp
Classification: Pathogenic for Fanconi anemia. Last evaluated: 2025-08-05. Review status: criteria provided, single submitter. Criteria: Invitae Variant Classification Sherloc (09022015). Collection method: clinical testing. Allele origin: germline.
Comment: This sequence change creates a premature translational stop signal (p.Gly945Ilefs*11) in the FANCM gene. It is expected to result in an absent or disrupted protein product. Loss-of-function variants in FANCM are known to be pathogenic (PMID: 29895858, 30075111). This variant is not present in population databases (gnomAD no frequency). This variant has not been reported in the literature in individuals affected with FANCM-related conditions. ClinVar contains an entry for this variant (Variation ID: 1186297). For these reasons, this variant has been classified as Pathogenic.

GeneDx
Classification: Likely pathogenic. Last evaluated: 2024-02-28. Review status: criteria provided, single submitter. Criteria: GeneDx Variant Classification Process June 2021. Collection method: clinical testing. Allele origin: germline. Affected: yes.
Comment: Frameshift variant predicted to result in protein truncation or nonsense mediated decay in a gene for which loss of function is a known mechanism of disease; Not observed at significant frequency in large population cohorts (gnomAD); Has not been previously published as pathogenic or benign to our knowledge; This variant is associated with the following publications: (PMID: 29895858, 30075111)

CeGaT Center for Human Genetics Tuebingen
Classification: Likely pathogenic. Last evaluated: 2022-08-01. Review status: criteria provided, single submitter. Criteria: CeGaT Center For Human Genetics Tuebingen Variant Classification Criteria Version 2. Collection method: clinical testing. Allele origin: germline. Affected: yes. Observed: 4 variant alleles.
Comment: FANCM: PVS1

Literature cited by the submitters: PubMed 29895858 (cited by Labcorp Genetics (formerly Invitae), Labcorp); PubMed 30075111 (cited by Labcorp Genetics (formerly Invitae), Labcorp).